The following is an entry in ClinVar:

ClinVar aggregate classification (germline): Uncertain significance. Review status: criteria provided, multiple submitters, no conflicts (2 of 4 stars). 2 submissions from 2 submitters: Uncertain significance (2). Last evaluated 2025-01-27.

Conditions:
Inborn genetic diseases. Identifiers: MedGen C0950123, MeSH D030342.

Allele frequency attached by ClinVar (database versions not stated): gnomAD exomes below 0.00001; gnomAD 0.00002; TOPMed 0.00002.

Submissions (2):

Ambry Genetics
Classification: Uncertain significance for Inborn genetic diseases. Last evaluated: 2025-01-27. Review status: criteria provided, single submitter. Criteria: Ambry Variant Classification Scheme 2023. Collection method: clinical testing. Allele origin: germline.

Labcorp Genetics (formerly Invitae), Labcorp
Classification: Uncertain significance. Last evaluated: 2022-05-24. Review status: criteria provided, single submitter. Criteria: Invitae Variant Classification Sherloc (09022015). Collection method: clinical testing. Allele origin: germline.
Comment: This sequence change replaces phenylalanine, which is neutral and non-polar, with serine, which is neutral and polar, at codon 65 of the PROSC protein (p.Phe65Ser). This variant is not present in population databases (gnomAD no frequency). This variant has not been reported in the literature in individuals affected with PROSC-related conditions. Algorithms developed to predict the effect of missense changes on protein structure and function (SIFT, PolyPhen-2, Align-GVGD) all suggest that this variant is likely to be disruptive. In summary, the available evidence is currently insufficient to determine the role of this variant in disease. Therefore, it has been classified as a Variant of Uncertain Significance.

NM_007198.4(PLPBP):c.194T>C (p.Phe65Ser)

Gene: PLPBP (pyridoxal phosphate binding protein; plus strand). Cytogenetic location: 8p11.23.
Variant type: single nucleotide variant.
Coding change: c.194T>C on transcript NM_007198.4 (MANE Select); coding-DNA position 194, T replaced by C.
Protein change: p.Phe65Ser; replaces phenylalanine 65 with serine.
Molecular consequence: missense variant.
Genome position (GRCh38, 1-based): chr8:37,765,620, T>C. VCF-style: chr8-37765620-T-C. GRCh37 (hg19) VCF-style: chr8-37623138-T-C.
Other names: c.194T>C, p.Phe65Ser (NM_001349346.2, NM_001349347.2); c.38T>C, p.Phe13Ser (NM_001349348.2); c.299T>C, p.Phe100Ser (NM_001349349.1); c.194T>C (NM_007198.3); short protein forms F65S, F100S, F13S.
Identifiers: ClinVar variation 1934485 (VCV001934485.3), dbSNP rs1231011598, ClinGen allele CA370666759.
Genomic context (GRCh38, chr8:37,765,620, plus strand): 5'-TCAGCAAAACCAAACCTGCAGACATGGTGATCGAGGCCTATGGACATGGGCAGCGCACTT[T>C]TGGCGAGAACTACGTAAGAGCCCTTTCCTGAAGCCCTTTGGAAGCATCATGATTGCCAGG-3'
Protein context (NP_009129.1, residues 55-75): IEAYGHGQRT[Phe65Ser]GENYVQELLE